The following is an entry in ClinVar:

NM_000179.3(MSH6):c.1130A>G (p.Lys377Arg)

Gene: MSH6 (mutS homolog 6; plus strand). Cytogenetic location: 2p16.3.
Variant type: single nucleotide variant.
Coding change: c.1130A>G on transcript NM_000179.3 (MANE Select); coding-DNA position 1130, A replaced by G.
Protein change: p.Lys377Arg; replaces lysine 377 with arginine.
Molecular consequence: missense variant.
Genome position (GRCh38, 1-based): chr2:47,799,113, A>G. VCF-style: chr2-47799113-A-G. GRCh37 (hg19) VCF-style: chr2-48026252-A-G.
Other names: c.740A>G, p.Lys247Arg (NM_001281492.2); c.224A>G, p.Lys75Arg (NM_001281493.2, NM_001281494.2); short protein forms K377R, K247R, K75R.
Identifiers: ClinVar variation 231418 (VCV000231418.5), dbSNP rs550221570, ClinGen allele CA10578059.
Genomic context (GRCh38, chr2:47,799,113, plus strand): 5'-ATGACAGTAGTCGCCCTACTGTTTGGTATCATGAAACTTTAGAATGGCTTAAGGAGGAAA[A>G]GAGAAGAGATGAGCACAGGAGGAGGCCTGATCACCCCGATTTTGATGCATCTACACTCTA-3'
Protein context (NP_000170.1, residues 367-387): HETLEWLKEE[Lys377Arg]RRDEHRRRPD

ClinVar aggregate classification (germline): Uncertain significance (1 of 4 stars; one submission).

Conditions:
Hereditary cancer-predisposing syndrome. Also called: Neoplastic Syndromes, Hereditary; Tumor predisposition; Hereditary Cancer Syndrome; Hereditary neoplastic syndrome. Identifiers: Orphanet 140162, MedGen C0027672, MeSH D009386, MONDO:0015356.

Submission:

Ambry Genetics
Classification: Uncertain significance for Hereditary cancer-predisposing syndrome. Last evaluated: 2015-05-02. Review status: criteria provided, single submitter. Criteria: Ambry Variant Classification Scheme 2023. Collection method: clinical testing. Allele origin: germline.
Comment: The p.K377R variant (also known as c.1130A>G), located in coding exon 4 of the MSH6 gene, results from an A to G substitution at nucleotide position 1130. The lysine at codon 377 is replaced by arginine, an amino acid with highly similar properties. This variant was not reported in population based cohorts in the following databases: Database of Single Nucleotide Polymorphisms (dbSNP), NHLBI Exome Sequencing Project (ESP), and 1000 Genomes Project. In the ESP, this variant was not observed in 6503 samples (13006 alleles) with coverage at this position. To date, this alteration has been detected with an allele frequency of approximately 0.002% (greater than 65000 alleles tested) in our clinical cohort. This amino acid position is well conserved in available vertebrate species. In addition, this alteration is predicted to be tolerated by in silico analysis. Since supporting evidence is limited at this time, the clinical significance of p.K377R remains unclear.